The following is an entry in ClinVar:

ClinVar aggregate classification (germline): Uncertain significance. Review status: criteria provided, multiple submitters, no conflicts (2 of 4 stars). 2 submissions from 2 submitters: Uncertain significance (2). Last evaluated 2025-03-06.

Conditions:
Inborn genetic diseases. Identifiers: MedGen C0950123, MeSH D030342.
Acute myeloid leukemia (AML). Also called: Acute myeloid leukemia, adult; AML adult; Acute non-lymphocytic leukemia; Acute granulocytic leukemia; Leukemia, acute myeloid, somatic; Leukemia, acute myelogenous, somatic. Identifiers: Orphanet 519, MedGen C0023467, MeSH D015470, MONDO:0018874, OMIM 601626, HP:0004808. Disease mechanism: Constitutively activated FLT3.

Submissions (2):

Ambry Genetics
Classification: Uncertain significance for Inborn genetic diseases. Last evaluated: 2025-03-06. Review status: criteria provided, single submitter. Criteria: Ambry Variant Classification Scheme 2023. Collection method: clinical testing. Allele origin: germline.
Comment: The p.H58Q variant (also known as c.174C>A), located in coding exon 1 of the CEBPA gene, results from a C to A substitution at nucleotide position 174. The histidine at codon 58 is replaced by glutamine, an amino acid with highly similar properties. This amino acid position is conserved. In addition, this alteration is predicted to be tolerated by in silico analysis. Based on the available evidence, the clinical significance of this variant remains unclear.

Labcorp Genetics (formerly Invitae), Labcorp
Classification: Uncertain significance for Acute myeloid leukemia. Last evaluated: 2022-01-17. Review status: criteria provided, single submitter. Criteria: Invitae Variant Classification Sherloc (09022015). Collection method: clinical testing. Allele origin: germline.
Comment: This variant has not been reported in the literature in individuals affected with CEBPA-related conditions. In summary, the available evidence is currently insufficient to determine the role of this variant in disease. Therefore, it has been classified as a Variant of Uncertain Significance. Algorithms developed to predict the effect of missense changes on protein structure and function (SIFT, PolyPhen-2, Align-GVGD) all suggest that this variant is likely to be tolerated. This variant is not present in population databases (gnomAD no frequency). This sequence change replaces histidine, which is basic and polar, with glutamine, which is neutral and polar, at codon 58 of the CEBPA protein (p.His58Gln).

NM_004364.5(CEBPA):c.174C>A (p.His58Gln)

Gene: CEBPA (CCAAT enhancer binding protein alpha; minus strand). Cytogenetic location: 19q13.11.
Variant type: single nucleotide variant.
Coding change: c.174C>A on transcript NM_004364.5 (MANE Select); coding-DNA position 174, C replaced by A.
Protein change: p.His58Gln; replaces histidine 58 with glutamine.
Molecular consequence: missense variant. On other transcripts: 5 prime UTR variant (1).
Genome position (GRCh38, 1-based): chr19:33,302,241, G>T on the plus strand (C>A on the coding strand, the complement: CEBPA is on the minus strand). VCF-style: chr19-33302241-G-T. GRCh37 (hg19) VCF-style: chr19-33793147-G-T.
Other names: c.-184C>A (NM_001285829.2); c.279C>A, p.His93Gln (NM_001287424.2); c.132C>A, p.His44Gln (NM_001287435.2); short protein forms H44Q, H93Q, H58Q.
Identifiers: ClinVar variation 2083549 (VCV002083549.5), dbSNP rs878854699, ClinGen allele CA405275522.